The following is an entry in ClinVar:

GRCh37/hg19 21q22.11(chr21:34909333-34931454)x1

Genes: GART (phosphoribosylglycinamide formyltransferase, phosphoribosylglycinamide synthetase, phosphoribosylaminoimidazole synthetase; minus strand), SON (SON DNA and RNA binding protein; plus strand). Cytogenetic location: 21q22.11.
Variant type: copy number loss.
Change: copy number 1 (one copy instead of two) of chr21:34,909,333-34,931,454 (22.1 kb, GRCh37 coordinates, 1-based), cytogenetic band 21q22.11.
Identifiers: ClinVar variation 1340524 (VCV001340524.1).

ClinVar aggregate classification (germline): Pathogenic (0 of 4 stars; one submission).

Submission:

Quest Diagnostics Nichols Institute San Juan Capistrano
Classification: Pathogenic. Last evaluated: 2021-05-01. Review status: no assertion criteria provided. Collection method: clinical testing. Allele origin: germline.
Comment: The copy number loss of 21q22.11 involves exons 1-4 (NM_032195.3) of SON (OMIM 182465) and exons 1-2 (NM_001136006.1) of GART (OMIM 602442), and is expected to cause phenotypic and/or developmental abnormalities. Haploinsufficiency of SON is associated with autosomal dominant ZTTK syndrome (OMIM 617140), a severe multisystem developmental disorder characterized by delayed psychomotor development and intellectual disability. Affected individuals have characteristic dysmorphic facial features, hypotonia, poor feeding, poor overall growth, and eye or visual abnormalities. Most patients also have musculoskeletal abnormalities, and some have congenital defects of the heart and urogenital system. The GART gene is not currently associated with any OMIM phenotypes.